The following is an entry in ClinVar:

ClinVar aggregate classification (germline): Benign. Review status: criteria provided, multiple submitters, no conflicts (2 of 4 stars). 4 submissions from 4 submitters: Benign (4). Last evaluated 2024-07-15.

Conditions:
Epilepsy, familial focal, with variable foci 1 (FFEVF1). Also called: DEPDC5-Related Epilepsy. Identifiers: MedGen C4551983, MONDO:0024556, OMIM 604364.

Allele frequency attached by ClinVar (database versions not stated): gnomAD exomes 0.96467 and 0.97785; ESP Exome Variant Server 0.96957; gnomAD 0.97589 and 0.97689; TOPMed 0.97833; ExAC 0.97845; 1000 Genomes Project 0.98942; 1000 Genomes Project 30x 0.98954.
gnomAD v4.1: 1,503,621 of 1,556,490 alleles (97%); highest among the groups gnomAD compares: East Asian, 100%; 726,463 homozygotes.

Submissions (4):

Unidad de Genómica Garrahan, Hospital de Pediatría Garrahan
Classification: Benign. Last evaluated: 2024-07-15. Review status: criteria provided, single submitter. Criteria: ACMG Guidelines, 2015. Collection method: clinical testing. Allele origin: germline. Affected: no. Observed: 93 variant alleles.
Comment: This variant is classified as Benign based on local population frequency. This variant was detected in 100% of patients studied in a panel designed for Epileptic and Developmental Encephalopathy and Progressive Myoclonus Epilepsy. Number of patients: 93. Only high quality variants are reported.

Genome-Nilou Lab
Classification: Benign for Epilepsy, familial focal, with variable foci 1. Last evaluated: 2021-07-30. Review status: criteria provided, single submitter. Criteria: ACMG Guidelines, 2015. Collection method: clinical testing. Allele origin: germline. Affected: no.

GeneDx
Classification: Benign. Last evaluated: 2018-07-15. Review status: criteria provided, single submitter. Criteria: GeneDx Variant Classification Process June 2021. Collection method: clinical testing. Allele origin: germline. Affected: yes.

Breakthrough Genomics
Classification: Benign. Review status: criteria provided, single submitter. Criteria: ACMG Guidelines, 2015. Collection method: not provided. Allele origin: germline. Inheritance: Autosomal dominant inheritance. Affected: yes.

NM_001242896.3(DEPDC5):c.484-43G>C

Gene: DEPDC5 (DEP domain containing 5, GATOR1 subcomplex subunit; plus strand). Cytogenetic location: 22q12.2.
Variant type: single nucleotide variant.
Coding change: c.484-43G>C on transcript NM_001242896.3 (MANE Select); 43 bases into the intron before coding-DNA position 484, G replaced by C.
Molecular consequence: intron variant.
Genome position (GRCh38, 1-based): chr22:31,783,864, G>C. VCF-style: chr22-31783864-G-C. GRCh37 (hg19) VCF-style: chr22-32179850-G-C.
Other names: c.484-43G>C (NM_001364318.2, NM_001136029.4, NM_014662.6 and 7 more transcripts); c.400-43G>C (NM_001369902.1, NM_001369901.1).
Identifiers: ClinVar variation 1238163 (VCV001238163.8), dbSNP rs138286, ClinGen allele CA10195996.
Genomic context (GRCh38, chr22:31,783,864, plus strand): 5'-AACATTTACACTGTTGTGAAGCAGATCTTCAGAACTTTTTCATCTTATAGAACTGAAACT[G>C]TATATGGCATTGCTTTTTAATACAATTGTGTTTTTATTTCAGGTGGTGTTTCGTTCTACG-3'